The following is an entry in ClinVar:

NM_002016.2(FLG):c.11528C>G (p.Ser3843Ter)

Genes: FLG (filaggrin; minus strand), FLG-AS1 (FLG antisense RNA 1; plus strand). Cytogenetic location: 1q21.3.
Variant type: single nucleotide variant.
Coding change: c.11528C>G on transcript NM_002016.2 (MANE Select); coding-DNA position 11528, C replaced by G.
Protein change: p.Ser3843Ter; replaces serine 3843 with a stop codon.
Molecular consequence: nonsense.
Genome position (GRCh38, 1-based): chr1:152,303,358, G>C on the plus strand (C>G on the coding strand, the complement: FLG is on the minus strand). VCF-style: chr1-152303358-G-C. GRCh37 (hg19) VCF-style: chr1-152275834-G-C.
Other names: short protein forms S3843*.
Identifiers: ClinVar variation 373097 (VCV000373097.2), dbSNP rs1057518212, ClinGen allele CA16042294.

ClinVar aggregate classification (germline): Pathogenic (1 of 4 stars; one submission).

Submission:

GeneDx
Classification: Pathogenic. Last evaluated: 2016-11-09. Review status: criteria provided, single submitter. Criteria: GeneDx Variant Classification (06012015). Collection method: clinical testing. Allele origin: germline. Affected: yes.
Comment: The S3843X variant in the FLG gene has not been reported previously as a pathogenic variant nor as a benign variant, to our knowledge. This variant is predicted to cause loss of normal protein function through protein truncation. The S3843X variant was not observed in approximately 6500 individuals of European and African American ancestry in the NHLBI Exome Sequencing Project, indicating it is not a common benign variant in these populations. We interpret S3843X as a pathogenic variant.